The following is an entry in ClinVar:

NM_001205293.3(CACNA1E):c.3379A>G (p.Met1127Val)

Gene: CACNA1E (calcium voltage-gated channel subunit alpha1 E; plus strand). Cytogenetic location: 1q25.3.
Variant type: single nucleotide variant.
Coding change: c.3379A>G on transcript NM_001205293.3 (MANE Select); coding-DNA position 3379, A replaced by G.
Protein change: p.Met1127Val; replaces methionine 1127 with valine.
Molecular consequence: missense variant.
Genome position (GRCh38, 1-based): chr1:181,736,391, A>G. VCF-style: chr1-181736391-A-G. GRCh37 (hg19) VCF-style: chr1-181705527-A-G.
Other names: c.3379A>G, p.Met1127Val (NM_000721.4); c.3322A>G, p.Met1108Val (NM_001205294.2); short protein forms M1108V, M1127V.
Identifiers: ClinVar variation 3774719 (VCV003774719.1).

ClinVar aggregate classification (germline): Uncertain significance (1 of 4 stars; one submission).

Submission:

GeneDx
Classification: Uncertain significance. Last evaluated: 2024-09-26. Review status: criteria provided, single submitter. Criteria: GeneDx Variant Classification Process June 2021. Collection method: clinical testing. Allele origin: germline. Affected: yes.
Comment: In silico analysis indicates that this missense variant does not alter protein structure/function; Has not been previously published as pathogenic or benign to our knowledge